The following is an entry in ClinVar:

NM_001171613.2(PREPL):c.142+5dup

Gene: PREPL (prolyl endopeptidase like; minus strand). Cytogenetic location: 2p21.
Variant type: Duplication.
Coding change: c.142+5dup on transcript NM_001171613.2 (MANE Select); 5 bases into the intron after coding-DNA position 142, one base duplicated (A; older notation c.142+5dupA).
Molecular consequence: intron variant.
Genome position (GRCh38, 1-based): chr2:44,344,515, T duplicated on the plus strand (A on the coding strand, the reverse complement: PREPL is on the minus strand). VCF-style (leftmost placement, unchanged base first): chr2-44344514-G-GT. GRCh37 (hg19) VCF-style: chr2-44571653-G-GT.
Other names: c.142+5dup (NM_001171617.1, NM_001374277.1); c.409+5dup (NM_001171603.1, NM_001374275.1, NM_001374276.1 and 4 more transcripts).
Identifiers: ClinVar variation 2053609 (VCV002053609.4), dbSNP rs2466309610, ClinGen allele CA2580066536.

ClinVar aggregate classification (germline): Uncertain significance (1 of 4 stars; one submission).

Conditions:
Myasthenic syndrome, congenital, 22 (CMS22). Also called: PREPL DEFICIENCY. Identifiers: MedGen C4479088, MONDO:0044299, OMIM 616224.

Submission:

Labcorp Genetics (formerly Invitae), Labcorp
Classification: Uncertain significance for Myasthenic syndrome, congenital, 22. Last evaluated: 2022-07-19. Review status: criteria provided, single submitter. Criteria: Invitae Variant Classification Sherloc (09022015). Collection method: clinical testing. Allele origin: germline.
Comment: In summary, the available evidence is currently insufficient to determine the role of this variant in disease. Therefore, it has been classified as a Variant of Uncertain Significance. Variants that disrupt the consensus splice site are a relatively common cause of aberrant splicing (PMID: 17576681, 9536098). Algorithms developed to predict the effect of sequence changes on RNA splicing suggest that this variant is not likely to affect RNA splicing. This variant has not been reported in the literature in individuals affected with PREPL-related conditions. This variant is not present in population databases (gnomAD no frequency). This sequence change falls in intron 3 of the PREPL gene. It does not directly change the encoded amino acid sequence of the PREPL protein. It affects a nucleotide within the consensus splice site.

Literature cited by the submitters: PubMed 17576681; PubMed 9536098.